The following is an entry in ClinVar:

NM_004998.4(MYO1E):c.153T>C (p.Tyr51=)

Gene: MYO1E (myosin IE; minus strand). Cytogenetic location: 15q22.2.
Variant type: single nucleotide variant.
Coding change: c.153T>C on transcript NM_004998.4 (MANE Select); coding-DNA position 153, T replaced by C.
Protein change: p.Tyr51=; no amino-acid change (tyrosine 51 retained).
Molecular consequence: synonymous variant.
Genome position (GRCh38, 1-based): chr15:59,261,504, A>G on the plus strand (T>C on the coding strand, the complement: MYO1E is on the minus strand). VCF-style: chr15-59261504-A-G. GRCh37 (hg19) VCF-style: chr15-59553703-A-G.
Identifiers: ClinVar variation 730911 (VCV000730911.13), dbSNP rs113544635, ClinGen allele CA7590442.

ClinVar aggregate classification (germline): Conflicting classifications of pathogenicity. Review status: criteria provided, conflicting classifications (1 of 4 stars). 4 submissions from 4 submitters: Uncertain significance (1); Benign (1); Likely benign (1). 1 of the submissions does not count toward it. Last evaluated 2026-01-14.

Conditions:
MYO1E-related disorder. Also called: MYO1E-related condition.

Allele frequency attached by ClinVar (database versions not stated): gnomAD exomes 0.00018 and 0.00046; ExAC 0.00064; 1000 Genomes Project 30x 0.00141; 1000 Genomes Project 0.00160; gnomAD 0.00210 and 0.00225; TOPMed 0.00230; ESP Exome Variant Server 0.00293.
gnomAD v4.1: 579 of 1,589,110 alleles (0.036%); highest among the groups gnomAD compares: African/African-American, 0.72%; 1 homozygote.

Submissions (4):

Labcorp Genetics (formerly Invitae), Labcorp
Classification: Benign. Last evaluated: 2026-01-14. Review status: criteria provided, single submitter. Criteria: Invitae Variant Classification Sherloc (09022015). Collection method: clinical testing. Allele origin: germline.

GeneDx
Classification: Uncertain significance. Last evaluated: 2022-05-25. Review status: criteria provided, single submitter. Criteria: GeneDx Variant Classification Process June 2021. Collection method: clinical testing. Allele origin: germline. Affected: yes.
Comment: Has not been previously published as pathogenic or benign to our knowledge; In-silico analysis is inconclusive as to whether the variant alters gene splicing. In the absence of RNA/functional studies, the actual effect of this sequence change is unknown.

Blueprint Genetics
Classification: Likely benign. Last evaluated: 2020-11-23. Review status: criteria provided, single submitter. Criteria: ACMG Guidelines, 2015. Collection method: clinical testing. Allele origin: germline.

PreventionGenetics, part of Exact Sciences
Classification: Likely benign for MYO1E-related condition. Last evaluated: 2020-01-27. Review status: no assertion criteria provided. Collection method: clinical testing. Allele origin: germline. Not counted in ClinVar's aggregate classification.
Comment: This variant is classified as likely benign based on ACMG/AMP sequence variant interpretation guidelines (Richards et al. 2015 PMID: 25741868, with internal and published modifications).